The following is an entry in ClinVar:

NR_157580.1:n.434T>C

Variant type: single nucleotide variant.
Molecular consequence: non-coding transcript variant (on NR_157580.1).
Genome position: GRCh38 VCF-style: chr15-77941494-A-G. GRCh37 (hg19) VCF-style: chr15-78233836-A-G.
Identifiers: ClinVar variation 2645599 (VCV002645599.23), dbSNP rs200335579, ClinGen allele CA7678823.

ClinVar aggregate classification (germline): Benign (1 of 4 stars; one submission).

Submission:

CeGaT Center for Human Genetics Tuebingen
Classification: Benign. Last evaluated: 2022-11-01. Review status: criteria provided, single submitter. Criteria: CeGaT Center For Human Genetics Tuebingen Variant Classification Criteria Version 2. Collection method: clinical testing. Allele origin: germline. Affected: yes. Observed: 1 variant allele.
Comment: CSPG4P13: BS1, BS2